The following is an entry in ClinVar:

ClinVar aggregate classification (germline): Uncertain significance (1 of 4 stars; one submission).

Conditions:
Early-infantile DEE. Also called: Early infantile epileptic encephalopathy; Early infantile epileptic encephalopathy with suppression bursts; Ohtahara syndrome. Identifiers: Orphanet 1934, MedGen C0393706, MONDO:0800491.

Submission:

Labcorp Genetics (formerly Invitae), Labcorp
Classification: Uncertain significance for Early-infantile DEE. Last evaluated: 2024-03-30. Review status: criteria provided, single submitter. Criteria: Invitae Variant Classification Sherloc (09022015). Collection method: clinical testing. Allele origin: germline.
Comment: This sequence change replaces serine, which is neutral and polar, with threonine, which is neutral and polar, at codon 1978 of the SCN1A protein (p.Ser1978Thr). This variant is not present in population databases (gnomAD no frequency). This missense change has been observed in individual(s) with SCN1A-related disorders (Invitae). ClinVar contains an entry for this variant (Variation ID: 530488). Advanced modeling of protein sequence and biophysical properties (such as structural, functional, and spatial information, amino acid conservation, physicochemical variation, residue mobility, and thermodynamic stability) has been performed at Invitae for this missense variant, however the output from this modeling did not meet the statistical confidence thresholds required to predict the impact of this variant on SCN1A protein function. In summary, the available evidence is currently insufficient to determine the role of this variant in disease. Therefore, it has been classified as a Variant of Uncertain Significance.

NM_001165963.4(SCN1A):c.5932T>A (p.Ser1978Thr)

Genes: SCN1A (sodium voltage-gated channel alpha subunit 1; minus strand), LOC102724058 (uncharacterized LOC102724058; plus strand). Cytogenetic location: 2q24.3.
Variant type: single nucleotide variant.
Coding change: c.5932T>A on transcript NM_001165963.4 (MANE Select); coding-DNA position 5932, T replaced by A.
Protein change: p.Ser1978Thr; replaces serine 1978 with threonine.
Molecular consequence: missense variant. On other transcripts: non-coding transcript variant (1).
Genome position (GRCh38, 1-based): chr2:165,991,343, A>T on the plus strand (T>A on the coding strand, the complement: SCN1A is on the minus strand). VCF-style: chr2-165991343-A-T. GRCh37 (hg19) VCF-style: chr2-166847853-A-T.
Other names: c.5848T>A, p.Ser1950Thr (NM_001165964.3, NM_001353957.2, NM_001353958.2); c.5932T>A, p.Ser1978Thr (NM_001202435.3, NM_001353948.2); c.5899T>A, p.Ser1967Thr (NM_001353949.2, NM_001353950.2, NM_001353951.2 and 2 more transcripts); c.5896T>A, p.Ser1966Thr (NM_001353954.2, NM_001353955.2); c.5845T>A, p.Ser1949Thr (NM_001353960.2); c.3490T>A, p.Ser1164Thr (NM_001353961.2); short protein forms S1967T, S1978T, S1949T, S1966T, S1164T, S1950T.
Identifiers: ClinVar variation 530488 (VCV000530488.9), dbSNP rs1553519733, ClinGen allele CA349063156.